The following is an entry in ClinVar:

NM_002335.4(LRP5):c.3859G>C (p.Asp1287His)

Gene: LRP5 (LDL receptor related protein 5; plus strand). Cytogenetic location: 11q13.2.
Variant type: single nucleotide variant.
Coding change: c.3859G>C on transcript NM_002335.4 (MANE Select); coding-DNA position 3859, G replaced by C.
Protein change: p.Asp1287His; replaces aspartic acid 1287 with histidine.
Molecular consequence: missense variant.
Genome position (GRCh38, 1-based): chr11:68,433,697, G>C. VCF-style: chr11-68433697-G-C. GRCh37 (hg19) VCF-style: chr11-68201165-G-C.
Other names: c.2116G>C, p.Asp706His (NM_001291902.2); short protein forms D1287H, D706H.
Identifiers: ClinVar variation 1400538 (VCV001400538.8), dbSNP rs1438665772, ClinGen allele CA381613771.

ClinVar aggregate classification (germline): Uncertain significance (1 of 4 stars; one submission).

Submission:

Labcorp Genetics (formerly Invitae), Labcorp
Classification: Uncertain significance. Last evaluated: 2022-06-27. Review status: criteria provided, single submitter. Criteria: Invitae Variant Classification Sherloc (09022015). Collection method: clinical testing. Allele origin: germline.
Comment: In summary, the available evidence is currently insufficient to determine the role of this variant in disease. Therefore, it has been classified as a Variant of Uncertain Significance. Algorithms developed to predict the effect of missense changes on protein structure and function are either unavailable or do not agree on the potential impact of this missense change (SIFT: "Deleterious"; PolyPhen-2: "Possibly Damaging"; Align-GVGD: "Class C0"). This variant has not been reported in the literature in individuals affected with LRP5-related conditions. This variant is not present in population databases (gnomAD no frequency). This sequence change replaces aspartic acid, which is acidic and polar, with histidine, which is basic and polar, at codon 1287 of the LRP5 protein (p.Asp1287His).